The following is an entry in ClinVar:

ClinVar aggregate classification (germline): Uncertain significance. Review status: criteria provided, multiple submitters, no conflicts (2 of 4 stars). 2 submissions from 2 submitters: Uncertain significance (2). Last evaluated 2025-10-02.

Conditions:
Autosomal recessive limb-girdle muscular dystrophy type 2P. Also called: MUSCULAR DYSTROPHY-DYSTROGLYCANOPATHY, LIMB-GIRDLE, DAG1-RELATED; Limb-Girdle Muscular Dystrophy Type 9C; MUSCULAR DYSTROPHY, LIMB-GIRDLE, TYPE 2P. Identifiers: Orphanet 280333, MedGen C4511963, MONDO:0013440, OMIM 613818.
Muscular dystrophy-dystroglycanopathy (congenital with brain and eye anomalies), type A9. Also called: WALKER-WARBURG SYNDROME OR MUSCLE-EYE BRAIN DISEASE, DAG1-RELATED; Muscular dystrophy-dystroglycanopathy (congenital with brain and eye anomalies), type a, 9. Identifiers: Orphanet 370997, Orphanet 899, MedGen C4225291, MONDO:0014683, OMIM 616538.
Muscular dystrophy-dystroglycanopathy (congenital with brain and eye anomalies), type A1 (MDDGA1). Also called: COD-MD SYNDROME; Muscular dystrophy-dystroglycanopathy (congenital with brain and eye anomalies), type A, 1; WALKER-WARBURG SYNDROME OR MUSCLE-EYE-BRAIN DISEASE, POMT1-RELATED; Hydrocephalus, agyria and retinal dysplasia; Hard +/- E syndrome; Warburg syndrome. Identifiers: Orphanet 588, Orphanet 899, MedGen C4284790, MONDO:0009364, OMIM 236670.

Allele frequency attached by ClinVar (database versions not stated): gnomAD exomes below 0.00001.
gnomAD v4.1: 3 of 1,614,146 alleles (0.00019%); highest among the groups gnomAD compares: Non-Finnish European, 0.00025%; no homozygotes.

Submissions (2):

Labcorp Genetics (formerly Invitae), Labcorp
Classification: Uncertain significance for Autosomal recessive limb-girdle muscular dystrophy type 2P; Muscular dystrophy-dystroglycanopathy (congenital with brain and eye anomalies), type A9. Last evaluated: 2025-10-02. Review status: criteria provided, single submitter. Criteria: Invitae Variant Classification Sherloc (09022015). Collection method: clinical testing. Allele origin: germline.
Comment: This sequence change replaces proline, which is neutral and non-polar, with threonine, which is neutral and polar, at codon 732 of the DAG1 protein (p.Pro732Thr). This variant is not present in population databases (gnomAD no frequency). This variant has not been reported in the literature in individuals affected with DAG1-related conditions. ClinVar contains an entry for this variant (Variation ID: 973344). Invitae Evidence Modeling of protein sequence and biophysical properties (such as structural, functional, and spatial information, amino acid conservation, physicochemical variation, residue mobility, and thermodynamic stability) indicates that this missense variant is not expected to disrupt DAG1 protein function with a negative predictive value of 80%. In summary, the available evidence is currently insufficient to determine the role of this variant in disease. Therefore, it has been classified as a Variant of Uncertain Significance.

UNC Molecular Genetics  Laboratory, University of North Carolina at Chapel Hill
Classification: Uncertain significance for Muscular dystrophy-dystroglycanopathy (congenital with brain and eye anomalies), type A, 1. Review status: criteria provided, single submitter. Criteria: ACMG Guidelines, 2015. Collection method: research. Allele origin: germline. Observed: 1 variant allele. Study: CSER_NCGENES_2.
Comment: DAG1 c.2194C>A [p.P732T] is a missense variant that changes a single amino acid from proline to threonine. This variant has not been reported previously and is of uncertain clinical significance.

NM_004393.6(DAG1):c.2194C>A (p.Pro732Thr)

Gene: DAG1 (dystroglycan 1; plus strand). Cytogenetic location: 3p21.31.
Variant type: single nucleotide variant.
Coding change: c.2194C>A on transcript NM_004393.6 (MANE Select); coding-DNA position 2194, C replaced by A.
Protein change: p.Pro732Thr; replaces proline 732 with threonine.
Molecular consequence: missense variant.
Genome position (GRCh38, 1-based): chr3:49,532,705, C>A. VCF-style: chr3-49532705-C-A. GRCh37 (hg19) VCF-style: chr3-49570138-C-A.
Other names: c.2194C>A, p.Pro732Thr (NM_001165928.4, NM_001177634.3, NM_001177635.3 and 9 more transcripts); short protein forms P732T.
Identifiers: ClinVar variation 973344 (VCV000973344.7), dbSNP rs1406481422, ClinGen allele CA352796997.
Genomic context (GRCh38, chr3:49,532,705, plus strand): 5'-AGTTGTCGGCACCTACAGTTTATCCCTGTGGTACCACCCAGGAGAGTGCCCTCAGAGGCG[C>A]CGCCCACAGAAGTGCCTGACAGGGACCCTGAGAAGAGCAGTGAGGATGATGTCTACCTGC-3'
Protein context (NP_004384.5, residues 722-742): VPPRRVPSEA[Pro732Thr]PTEVPDRDPE